The following is an entry in ClinVar:

ClinVar aggregate classification (germline): Uncertain significance (1 of 4 stars; one submission).

Conditions:
Lowe syndrome (OCRL). Also called: Oculocerebrorenal Syndrome; LOWE OCULOCEREBRORENAL SYNDROME; PHOSPHATIDYLINOSITOL 4,5-BISPHOSPHATE 5-PHOSPHATASE DEFICIENCY. Identifiers: Orphanet 534, MedGen C0028860, MONDO:0010645, OMIM 309000.

Allele frequency attached by ClinVar (database versions not stated): gnomAD exomes below 0.00001; ExAC 0.00001; gnomAD 0.00001.
gnomAD v4.1: 4 of 1,209,826 alleles (0.00033%); highest among the groups gnomAD compares: Non-Finnish European, 0.00045%; no homozygotes.

Submission:

Labcorp Genetics (formerly Invitae), Labcorp
Classification: Uncertain significance for Lowe syndrome. Last evaluated: 2022-11-01. Review status: criteria provided, single submitter. Criteria: Invitae Variant Classification Sherloc (09022015). Collection method: clinical testing. Allele origin: germline.
Comment: In summary, the available evidence is currently insufficient to determine the role of this variant in disease. Therefore, it has been classified as a Variant of Uncertain Significance. Advanced modeling of protein sequence and biophysical properties (such as structural, functional, and spatial information, amino acid conservation, physicochemical variation, residue mobility, and thermodynamic stability) performed at Invitae indicates that this missense variant is not expected to disrupt OCRL protein function. This variant has not been reported in the literature in individuals affected with OCRL-related conditions. The frequency data for this variant in the population databases is considered unreliable, as metrics indicate poor data quality at this position in the gnomAD database. This sequence change replaces arginine, which is basic and polar, with glutamine, which is neutral and polar, at codon 810 of the OCRL protein (p.Arg810Gln).

NM_000276.4(OCRL):c.2429G>A (p.Arg810Gln)

Gene: OCRL (OCRL inositol polyphosphate-5-phosphatase; plus strand). Cytogenetic location: Xq26.1.
Variant type: single nucleotide variant.
Coding change: c.2429G>A on transcript NM_000276.4 (MANE Select); coding-DNA position 2429, G replaced by A.
Protein change: p.Arg810Gln; replaces arginine 810 with glutamine.
Molecular consequence: missense variant.
Genome position (GRCh38, 1-based): chrX:129,588,973, G>A. VCF-style: chrX-129588973-G-A. GRCh37 (hg19) VCF-style: chrX-128722950-G-A.
Other names: c.2432G>A, p.Arg811Gln (NM_001318784.2); c.2405G>A, p.Arg802Gln (NM_001587.4); short protein forms R802Q, R811Q, R810Q.
Identifiers: ClinVar variation 1913042 (VCV001913042.4), dbSNP rs756056932, ClinGen allele CA10512367.